The following is an entry in ClinVar:

NM_004006.3(DMD):c.6320G>A (p.Arg2107Gln)

Gene: DMD (dystrophin; minus strand). Cytogenetic location: Xp21.1.
Variant type: single nucleotide variant.
Coding change: c.6320G>A on transcript NM_004006.3 (MANE Select); coding-DNA position 6320, G replaced by A.
Protein change: p.Arg2107Gln; replaces arginine 2107 with glutamine.
Molecular consequence: missense variant.
Genome position (GRCh38, 1-based): chrX:32,217,034, C>T on the plus strand (G>A on the coding strand, the complement: DMD is on the minus strand). VCF-style: chrX-32217034-C-T. GRCh37 (hg19) VCF-style: chrX-32235151-C-T.
Other names: p.R2107Q:CGG>CAG; c.6296G>A, p.Arg2099Gln (NM_000109.4); c.6308G>A, p.Arg2103Gln (NM_004009.3); c.5951G>A, p.Arg1984Gln (NM_004010.3); c.2297G>A, p.Arg766Gln (NM_004011.4); c.2288G>A, p.Arg763Gln (NM_004012.4); short protein forms R1984Q, R2099Q, R2103Q, R763Q, R766Q.
Identifiers: ClinVar variation 94702 (VCV000094702.67), dbSNP rs142807436, ClinGen allele CA285586.

ClinVar aggregate classification (germline): Conflicting classifications of pathogenicity. Review status: criteria provided, conflicting classifications (1 of 4 stars). 13 submissions from 13 submitters: Uncertain significance (2); Benign (2); Likely benign (7). 2 of the submissions do not count toward it. Last evaluated 2026-01-18.

Conditions:
Dystrophin deficiency.
Duchenne muscular dystrophy (DMD). Also called: MUSCULAR DYSTROPHY, PSEUDOHYPERTROPHIC PROGRESSIVE, DUCHENNE TYPE; Duchenne Muscular Dystrophy (DMD). Identifiers: Orphanet 98896, MedGen C0013264, MONDO:0010679, OMIM 310200.
Cardiomyopathy (CMYO). Also called: Cardiomyopathies. Identifiers: Orphanet 167848, MedGen C0878544, MONDO:0004994, HP:0001638. Inheritance: Various modes of inheritance.
Becker muscular dystrophy (BMD). Also called: MUSCULAR DYSTROPHY, PSEUDOHYPERTROPHIC PROGRESSIVE, BECKER TYPE; Becker Muscular Dystrophy (BMD). Identifiers: Orphanet 98895, MedGen C0917713, MONDO:0010311, OMIM 300376.
Cardiovascular phenotype. Identifiers: MedGen CN230736.
DMD-related disorder. Also called: DMD-related condition.
Dilated cardiomyopathy 3B (CMD3B). Also called: CMD3B: DMD-Related Dilated Cardiomyopathy; CARDIOMYOPATHY, DILATED, X-LINKED; DMD-Associated Dilated Cardiomyopathy. Identifiers: Orphanet 154, MedGen C3668940, MONDO:0010542, OMIM 302045.

Allele frequency attached by ClinVar (database versions not stated): ESP Exome Variant Server 0.00019; gnomAD exomes 0.00019 and 0.00026; 1000 Genomes Project 30x 0.00021; 1000 Genomes Project 0.00026; ExAC 0.00026; gnomAD 0.00035 and 0.00036; TOPMed 0.00040.
gnomAD v4.1: 239 of 1,207,488 alleles (0.02%); highest among the groups gnomAD compares: African/African-American, 0.081%; no homozygotes.

Submissions (13):

Labcorp Genetics (formerly Invitae), Labcorp
Classification: Likely benign for Duchenne muscular dystrophy. Last evaluated: 2026-01-18. Review status: criteria provided, single submitter. Criteria: Invitae Variant Classification Sherloc (09022015). Collection method: clinical testing. Allele origin: germline.

Molecular Diagnostic Laboratory for Inherited Cardiovascular Disease, Montreal Heart Institute
Classification: Likely benign. Last evaluated: 2025-04-09. Review status: criteria provided, single submitter. Criteria: ACMG Guidelines, 2015. Collection method: clinical testing. Allele origin: germline. Affected: no.
Comment: BS1;BP1;BP4

CeGaT Center for Human Genetics Tuebingen
Classification: Likely benign. Last evaluated: 2025-03-01. Review status: criteria provided, single submitter. Criteria: CeGaT Center For Human Genetics Tuebingen Variant Classification Criteria Version 2. Collection method: clinical testing. Allele origin: germline. Affected: yes. Observed: 2 variant alleles.
Comment: DMD: BP4, BS2

Mayo Clinic Laboratories, Mayo Clinic
Classification: Likely benign. Last evaluated: 2025-01-21. Review status: criteria provided, single submitter. Criteria: ACMG Guidelines, 2015. Collection method: clinical testing. Allele origin: germline. Observed: 1 variant allele.
Comment: BS2, BP4_moderate

Blueprint Genetics
Classification: Likely benign. Last evaluated: 2024-11-07. Review status: criteria provided, single submitter. Criteria: ACMG Guidelines, 2015. Collection method: clinical testing. Allele origin: germline.

Women's Health and Genetics/Laboratory Corporation of America, LabCorp
Classification: Likely benign. Last evaluated: 2022-05-27. Review status: criteria provided, single submitter. Criteria: LabCorp Variant Classification Summary - May 2015. Collection method: clinical testing. Allele origin: germline.

GeneDx
Classification: Benign. Last evaluated: 2020-10-16. Review status: criteria provided, single submitter. Criteria: GeneDx Variant Classification Process June 2021. Collection method: clinical testing. Allele origin: germline. Affected: yes.

Ambry Genetics
Classification: Likely benign for Cardiovascular phenotype. Last evaluated: 2019-12-23. Review status: criteria provided, single submitter. Criteria: Ambry Variant Classification Scheme 2023. Collection method: clinical testing. Allele origin: germline.

Center for Advanced Laboratory Medicine, UC San Diego Health, University of California San Diego
Classification: Benign for Cardiomyopathy. Last evaluated: 2019-03-15. Review status: criteria provided, single submitter. Criteria: ACMG Guidelines, 2015. Collection method: clinical testing. Allele origin: germline. Affected: yes. Observed: 1 variant allele.

Illumina Laboratory Services, Illumina
Classification: Uncertain significance for Dilated cardiomyopathy 3B. Last evaluated: 2017-04-27. Review status: criteria provided, single submitter. Criteria: ICSL Variant Classification Criteria 13 December 2019. Collection method: clinical testing. Allele origin: germline.

Eurofins Ntd Llc (ga)
Classification: Uncertain significance. Last evaluated: 2016-12-28. Review status: criteria provided, single submitter. Criteria: EGL Classification Definitions 2015. Collection method: clinical testing. Allele origin: germline. Observed: 3 variant alleles, 3 hemizygotes.

PreventionGenetics, part of Exact Sciences
Classification: Likely benign for DMD-related condition. Last evaluated: 2022-02-03. Review status: no assertion criteria provided. Collection method: clinical testing. Allele origin: germline. Not counted in ClinVar's aggregate classification.
Comment: This variant is classified as likely benign based on ACMG/AMP sequence variant interpretation guidelines (Richards et al. 2015 PMID: 25741868, with internal and published modifications).

Natera, Inc.
Classification: Likely benign for Becker muscular dystrophy; Cardiomyopathy; Duchenne muscular dystrophy; Dystrophin deficiency. Last evaluated: 2019-08-02. Review status: no assertion criteria provided. Collection method: clinical testing. Allele origin: germline. Not counted in ClinVar's aggregate classification.